The following is an entry in ClinVar:

NM_025132.4(WDR19):c.1232A>G (p.Tyr411Cys)

Gene: WDR19 (WD repeat domain 19; plus strand). Cytogenetic location: 4p14.
Variant type: single nucleotide variant.
Coding change: c.1232A>G on transcript NM_025132.4 (MANE Select); coding-DNA position 1232, A replaced by G.
Protein change: p.Tyr411Cys; replaces tyrosine 411 with cysteine.
Molecular consequence: missense variant.
Genome position (GRCh38, 1-based): chr4:39,216,193, A>G. VCF-style: chr4-39216193-A-G. GRCh37 (hg19) VCF-style: chr4-39217813-A-G.
Other names: c.752A>G, p.Tyr251Cys (NM_001317924.2); short protein forms Y251C, Y411C.
Identifiers: ClinVar variation 1498857 (VCV001498857.4), dbSNP rs761268969, ClinGen allele CA2891798.

ClinVar aggregate classification (germline): Uncertain significance (1 of 4 stars; one submission).

Conditions:
Asphyxiating thoracic dystrophy 5 (SRTD5). Also called: SHORT-RIB THORACIC DYSPLASIA 5 WITH OR WITHOUT POLYDACTYLY; SHORT-RIB THORACIC DYSPLASIA 5 WITHOUT POLYDACTYLY. Identifiers: Orphanet 474, MedGen C3280598, MONDO:0013717, OMIM 614376.
Senior-Loken syndrome 8 (SLSN8). Identifiers: Orphanet 3156, MedGen C4225376, MONDO:0014579, OMIM 616307.

Allele frequency attached by ClinVar (database versions not stated): gnomAD exomes below 0.00001 and 0.00001; ExAC 0.00003.
gnomAD v4.1: 1 of 1,570,800 alleles (0.000064%); highest among the groups gnomAD compares: Admixed American, 0.0019%; no homozygotes.

Submission:

Labcorp Genetics (formerly Invitae), Labcorp
Classification: Uncertain significance for Senior-Loken syndrome 8; Asphyxiating thoracic dystrophy 5. Last evaluated: 2022-11-15. Review status: criteria provided, single submitter. Criteria: Invitae Variant Classification Sherloc (09022015). Collection method: clinical testing. Allele origin: germline.
Comment: In summary, the available evidence is currently insufficient to determine the role of this variant in disease. Therefore, it has been classified as a Variant of Uncertain Significance. Algorithms developed to predict the effect of missense changes on protein structure and function (SIFT, PolyPhen-2, Align-GVGD) all suggest that this variant is likely to be disruptive. ClinVar contains an entry for this variant (Variation ID: 1498857). This variant has not been reported in the literature in individuals affected with WDR19-related conditions. The frequency data for this variant in the population databases is considered unreliable, as metrics indicate poor data quality at this position in the gnomAD database. This sequence change replaces tyrosine, which is neutral and polar, with cysteine, which is neutral and slightly polar, at codon 411 of the WDR19 protein (p.Tyr411Cys).